The following is an entry in ClinVar:

NM_005732.4(RAD50):c.1174del (p.Gln392fs)

Gene: RAD50 (RAD50 double strand break repair protein; plus strand). Cytogenetic location: 5q31.1.
Variant type: Deletion.
Coding change: c.1174del on transcript NM_005732.4 (MANE Select); coding-DNA position 1174, one base deleted (C; older notation c.1174delC).
Protein change: p.Gln392fs; shifts the reading frame from glutamine 392.
Molecular consequence: frameshift variant.
Genome position (GRCh38, 1-based): chr5:132,588,809, C deleted. VCF-style (leftmost placement, unchanged base first): chr5-132588808-AC-A. GRCh37 (hg19) VCF-style: chr5-131924500-AC-A.
Other names: short protein forms Q392fs.
Identifiers: ClinVar variation 232871 (VCV000232871.12), dbSNP rs876660039, ClinGen allele CA10578517.

ClinVar aggregate classification (germline): Pathogenic. Review status: criteria provided, multiple submitters, no conflicts (2 of 4 stars). 2 submissions from 2 submitters: Pathogenic (2). Last evaluated 2021-12-03.

Conditions:
Hereditary cancer-predisposing syndrome. Also called: Neoplastic Syndromes, Hereditary; Tumor predisposition; Hereditary Cancer Syndrome; Hereditary neoplastic syndrome. Identifiers: Orphanet 140162, MedGen C0027672, MeSH D009386, MONDO:0015356.

Submissions (2):

Labcorp Genetics (formerly Invitae), Labcorp
Classification: Pathogenic for Hereditary cancer-predisposing syndrome. Last evaluated: 2021-12-03. Review status: criteria provided, single submitter. Criteria: Invitae Variant Classification Sherloc (09022015). Collection method: clinical testing. Allele origin: germline.
Comment: For these reasons, this variant has been classified as Pathogenic. ClinVar contains an entry for this variant (Variation ID: 232871). This variant has not been reported in the literature in individuals affected with RAD50-related conditions. This variant is not present in population databases (gnomAD no frequency). This sequence change creates a premature translational stop signal (p.Gln392Argfs*9) in the RAD50 gene. It is expected to result in an absent or disrupted protein product. Loss-of-function variants in RAD50 are known to be pathogenic (PMID: 19409520).

Ambry Genetics
Classification: Pathogenic for Hereditary cancer-predisposing syndrome. Last evaluated: 2015-07-14. Review status: criteria provided, single submitter. Criteria: Ambry Variant Classification Scheme 2023. Collection method: clinical testing. Allele origin: germline.
Comment: The c.1174delC pathogenic mutation, located in coding exon 8 of the RAD50 gene, results from a deletion of one nucleotide at nucleotide position 1174, causing a translational frameshift with a predicted alternate stop codon. Since frameshifts are typically deleterious in nature, this alteration is interpreted as a disease-causing mutation (ACMG Recommendations for Standards for Interpretation and Reporting of Sequence Variations. Revision 2007. Genet Med. 2008;10:294).

Literature cited by the submitters: PubMed 19409520 (cited by Labcorp Genetics (formerly Invitae), Labcorp).